The following is an entry in ClinVar:

ClinVar aggregate classification (germline): Conflicting classifications of pathogenicity. Review status: criteria provided, conflicting classifications (1 of 4 stars). 3 submissions from 3 submitters: Uncertain significance (2); Likely benign (1). Last evaluated 2023-08-25.

Conditions:
Hereditary cancer-predisposing syndrome. Also called: Neoplastic Syndromes, Hereditary; Tumor predisposition; Hereditary Cancer Syndrome; Hereditary neoplastic syndrome. Identifiers: Orphanet 140162, MedGen C0027672, MeSH D009386, MONDO:0015356.
Hereditary breast ovarian cancer syndrome. Also called: Breast and ovarian cancer; BRCA1- and BRCA2-Associated Hereditary Breast and Ovarian Cancer; Hereditary breast and ovarian cancer; Hereditary breast and ovarian cancer syndrome (HBOC); Hereditary breast and/or ovarian cancer syndrome; Hereditary breast and ovarian cancer syndrome. Identifiers: Orphanet 145, MedGen C0677776, MeSH D061325, MONDO:0003582. Disease mechanism: loss of function.

Allele frequency attached by ClinVar (database versions not stated): gnomAD exomes below 0.00001; ExAC 0.00001.

Submissions (3):

Labcorp Genetics (formerly Invitae), Labcorp
Classification: Uncertain significance for Hereditary breast ovarian cancer syndrome. Last evaluated: 2023-08-25. Review status: criteria provided, single submitter. Criteria: Invitae Variant Classification Sherloc (09022015). Collection method: clinical testing. Allele origin: germline.
Comment: Advanced modeling of protein sequence and biophysical properties (such as structural, functional, and spatial information, amino acid conservation, physicochemical variation, residue mobility, and thermodynamic stability) performed at Invitae indicates that this missense variant is not expected to disrupt BRCA1 protein function. In summary, the available evidence is currently insufficient to determine the role of this variant in disease. Therefore, it has been classified as a Variant of Uncertain Significance. ClinVar contains an entry for this variant (Variation ID: 648735). This sequence change replaces methionine, which is neutral and non-polar, with threonine, which is neutral and polar, at codon 1361 of the BRCA1 protein (p.Met1361Thr). This variant is present in population databases (rs763596987, gnomAD 0.0009%). This variant has not been reported in the literature in individuals affected with BRCA1-related conditions.

University of Washington Department of Laboratory Medicine, University of Washington
Classification: Likely benign for Hereditary cancer-predisposing syndrome. Last evaluated: 2023-03-23. Review status: criteria provided, single submitter. Criteria: Dines et al. (Genet Med. 2020). Collection method: curation. Allele origin: germline.
Comment: Missense variant in a coldspot region where missense variants are very unlikely to be pathogenic (PMID:31911673).

BRCA1 coldspot (exon 11 using historical exon numbering). Reclassification based on statistical prior probability

Ambry Genetics
Classification: Uncertain significance for Hereditary cancer-predisposing syndrome. Last evaluated: 2015-12-13. Review status: criteria provided, single submitter. Criteria: Ambry Variant Classification Scheme 2023. Collection method: clinical testing. Allele origin: germline.
Comment: The p.M1361T variant (also known as c.4082T>C), located in coding exon 9 of the BRCA1 gene, results from a T to C substitution at nucleotide position 4082. The methionine at codon 1361 is replaced by threonine, an amino acid with similar properties. This variant was not reported in population based cohorts in the following databases: Database of Single Nucleotide Polymorphisms (dbSNP), NHLBI Exome Sequencing Project (ESP), and 1000 Genomes Project. In the ESP, this variant was not observed in 6503 samples (13006 alleles) with coverage at this position. To date, this alteration has been detected with an allele frequency of approximately 0.004% (greater than 225000 alleles tested) in our clinical cohort. This amino acid position is poorly conserved in available vertebrate species. In addition, the in silico prediction for this alteration is inconclusive. Since supporting evidence is limited at this time, the clinical significance of p.M1361T remains unclear.

NM_007294.4(BRCA1):c.4082T>C (p.Met1361Thr)

Genes: BRCA1 (BRCA1 DNA repair associated; minus strand), LOC126862571 (BRD4-independent group 4 enhancer GRCh37_chr17:41243136-41244335; plus strand). Cytogenetic location: 17q21.31.
Variant type: single nucleotide variant.
Coding change: c.4082T>C on transcript NM_007294.4 (MANE Select); coding-DNA position 4082, T replaced by C.
Protein change: p.Met1361Thr; replaces methionine 1361 with threonine.
Molecular consequence: missense variant. On other transcripts: intron variant (135).
Genome position (GRCh38, 1-based): chr17:43,091,449, A>G on the plus strand (T>C on the coding strand, the complement: BRCA1 is on the minus strand). VCF-style: chr17-43091449-A-G. GRCh37 (hg19) VCF-style: chr17-41243466-A-G.
Other names: c.3869T>C, p.Met1290Thr (NM_001407571.1, NM_001407853.1, NM_001407894.1 and 9 more transcripts); c.4082T>C, p.Met1361Thr (NM_001407581.1, NM_001407582.1, NM_001407583.1 and 30 more transcripts); c.4079T>C, p.Met1360Thr (NM_001407587.1, NM_001407590.1, NM_001407591.1 and 22 more transcripts); c.4073T>C, p.Met1358Thr (NM_001407646.1, NM_001407647.1); c.3959T>C, p.Met1320Thr (NM_001407648.1, NM_001407664.1, NM_001407665.1 and 19 more transcripts); c.3956T>C, p.Met1319Thr (NM_001407649.1, NM_001407670.1, NM_001407671.1 and 11 more transcripts); c.4004T>C, p.Met1335Thr (NM_001407653.1, NM_001407654.1, NM_001407655.1 and 4 more transcripts); c.4001T>C, p.Met1334Thr (NM_001407659.1, NM_001407660.1, NM_001407661.1 and 1 more transcripts); and 41 more; short protein forms M1361T, M1314T, M1249T, M1358T, M1360T, M1193T, M1290T, M1291T.
Identifiers: ClinVar variation 648735 (VCV000648735.14), dbSNP rs763596987, ClinGen allele CA058978.